The following is an entry in ClinVar:

ClinVar aggregate classification (germline): Likely benign (1 of 4 stars; one submission).

Conditions:
Familial cancer of breast. Also called: hereditary breast carcinoma; Hereditary breast cancer; BREAST CANCER, FAMILIAL. Identifiers: Orphanet 227535, MedGen C0346153, MONDO:0016419, OMIM 114480. Disease mechanism: loss of function.

Submission:

Myriad Genetics, Inc.
Classification: Likely benign for Familial cancer of breast. Last evaluated: 2024-07-29. Review status: criteria provided, single submitter. Criteria: Myriad Autosomal Dominant, Autosomal Recessive and X-Linked Classification Criteria (2023). Collection method: clinical testing. Allele origin: unknown.
Comment: This variant is considered likely benign. This variant is intronic and is not expected to impact mRNA splicing.

NM_000465.4(BARD1):c.1904-11G>A

Gene: BARD1 (BRCA1 associated RING domain 1; minus strand). Cytogenetic location: 2q35.
Variant type: single nucleotide variant.
Coding change: c.1904-11G>A on transcript NM_000465.4 (MANE Select); 11 bases into the intron before coding-DNA position 1904, G replaced by A.
Molecular consequence: intron variant.
Genome position (GRCh38, 1-based): chr2:214,730,519, C>T on the plus strand (G>A on the coding strand, the complement: BARD1 is on the minus strand). VCF-style: chr2-214730519-C-T. GRCh37 (hg19) VCF-style: chr2-215595243-C-T.
Other names: c.494-11G>A (NM_001282548.2); c.1847-11G>A (NM_001282543.2); c.551-11G>A (NM_001282545.2); c.365-11G>A (NM_001282549.2).
Identifiers: ClinVar variation 3378715 (VCV003378715.1).